The following is an entry in ClinVar:

ClinVar aggregate classification (germline): Uncertain significance (1 of 4 stars; one submission).

gnomAD v4.1: 4 of 1,610,958 alleles (0.00025%); highest among the groups gnomAD compares: Non-Finnish European, 0.00034%; no homozygotes.

Submission:

Labcorp Genetics (formerly Invitae), Labcorp
Classification: Uncertain significance. Last evaluated: 2025-08-30. Review status: criteria provided, single submitter. Criteria: Invitae Variant Classification Sherloc (09022015). Collection method: clinical testing. Allele origin: germline.
Comment: This sequence change replaces lysine, which is basic and polar, with glutamine, which is neutral and polar, at codon 769 of the RP1 protein (p.Lys769Gln). This variant is not present in population databases (gnomAD no frequency). This variant has not been reported in the literature in individuals affected with RP1-related conditions. An algorithm developed to predict the effect of missense changes on protein structure and function (PolyPhen-2) suggests that this variant is likely to be disruptive. In summary, the available evidence is currently insufficient to determine the role of this variant in disease. Therefore, it has been classified as a Variant of Uncertain Significance.

NM_006269.2(RP1):c.2305A>C (p.Lys769Gln)

Gene: RP1 (RP1 axonemal microtubule associated; plus strand). Cytogenetic location: 8q12.1.
Variant type: single nucleotide variant.
Coding change: c.2305A>C on transcript NM_006269.2 (MANE Select); coding-DNA position 2305, A replaced by C.
Protein change: p.Lys769Gln; replaces lysine 769 with glutamine.
Molecular consequence: missense variant. On other transcripts: intron variant (1).
Genome position (GRCh38, 1-based): chr8:54,626,187, A>C. VCF-style: chr8-54626187-A-C. GRCh37 (hg19) VCF-style: chr8-55538747-A-C.
Other names: c.787+3899A>C (NM_001375654.1); short protein forms K769Q.
Identifiers: ClinVar variation 4711476 (VCV004711476.1).